The following is an entry in ClinVar:

ClinVar aggregate classification (germline): Pathogenic. Review status: criteria provided, multiple submitters, no conflicts (2 of 4 stars). 7 submissions from 7 submitters: Pathogenic (5). 2 of the submissions do not count toward it. Last evaluated 2025-10-07.

Conditions:
SMARCA2-related BAFopathy.
Nicolaides-Baraitser syndrome (NCBRS). Also called: Intellectual disability-sparse hair-brachydactyly syndrome; SMARCA2-Related Nicolaides-Baraitser Syndrome. Identifiers: Orphanet 3051, MedGen C1303073, MONDO:0011053, OMIM 601358.

Allele frequency attached by ClinVar (database versions not stated): gnomAD exomes below 0.00001.
gnomAD v4.1: 1 of 1,614,122 alleles (0.000062%); highest among the groups gnomAD compares: Non-Finnish European, 0.000085%; no homozygotes.

Submissions (7):

Dasa
Classification: Pathogenic. Last evaluated: 2025-10-07. Review status: criteria provided, single submitter. Criteria: DASA Assertion Criteria. Collection method: clinical testing. Allele origin: germline.
Comment: NM_003070.5(SMARCA2):c.2648C>T (p.Pro883Leu) introduces a proline-to-leucine substitution at a residue with other pathogenic substitutions, supported by functional data and recurrent observation in individuals with SMARCA2-related neurodevelopmental syndromes (PMID: 32694869). Additionally, it is present at low frequency in population datasets. Based on the available data, this variant is classified as pathogenic.

Labcorp Genetics (formerly Invitae), Labcorp
Classification: Pathogenic. Last evaluated: 2022-11-23. Review status: criteria provided, single submitter. Criteria: Invitae Variant Classification Sherloc (09022015). Collection method: clinical testing. Allele origin: germline.
Comment: For these reasons, this variant has been classified as Pathogenic. Experimental studies have shown that this missense change affects SMARCA2 function (PMID: 32694869). Advanced modeling of protein sequence and biophysical properties (such as structural, functional, and spatial information, amino acid conservation, physicochemical variation, residue mobility, and thermodynamic stability) performed at Invitae indicates that this missense variant is expected to disrupt SMARCA2 protein function. ClinVar contains an entry for this variant (Variation ID: 30016). This missense change has been observed in individual(s) with Nicolaides-Baraitser syndrome (PMID: 22366787). In at least one individual the variant was observed to be de novo. This variant is not present in population databases (gnomAD no frequency). This sequence change replaces proline, which is neutral and non-polar, with leucine, which is neutral and non-polar, at codon 883 of the SMARCA2 protein (p.Pro883Leu).

GeneDx
Classification: Pathogenic. Last evaluated: 2022-09-06. Review status: criteria provided, single submitter. Criteria: GeneDx Variant Classification Process June 2021. Collection method: clinical testing. Allele origin: germline. Affected: yes.
Comment: Published functional studies suggest a damaging effect (severe growth defect of yeast growth compared to wild type strain) (Cappuccio et al., 2020); Not observed in large population cohorts (gnomAD); This variant is associated with the following publications: (PMID: 31288860, 32694869, 22366787, 35811451)

Institute of Human Genetics Munich, TUM University Hospital
Classification: Pathogenic for Nicolaides-Baraitser syndrome. Last evaluated: 2022-07-26. Review status: criteria provided, single submitter. Criteria: Classification criteria August 2017. Collection method: clinical testing. Allele origin: de novo. Inheritance: Autosomal dominant inheritance. Affected: yes. Observed: 1 variant allele.

Baylor Genetics
Classification: Pathogenic for SMARCA2-related BAFopathy. Last evaluated: 2021-06-10. Review status: criteria provided, single submitter. Criteria: ACMG Guidelines, 2015. Collection method: clinical testing. Allele origin: de novo. Affected: yes.

OMIM
Classification: Pathogenic for NICOLAIDES-BARAITSER SYNDROME. Last evaluated: 2012-02-26. Review status: no assertion criteria provided. Collection method: literature only. Allele origin: germline. Not counted in ClinVar's aggregate classification.

UniProtKB/Swiss-Prot
No classification provided. Review status: no classification provided. Collection method: not provided. Allele origin: not provided. Not counted in ClinVar's aggregate classification.

Literature cited by the submitters: PubMed 31288860 (cited by Dasa); PubMed 22366787 (cited by 3 submitters); PubMed 25169058 (cited by Dasa); PubMed 32694869 (cited by Dasa and Labcorp Genetics (formerly Invitae), Labcorp).

NM_003070.5(SMARCA2):c.2648C>T (p.Pro883Leu)

Gene: SMARCA2 (SWI/SNF related BAF chromatin remodeling complex subunit ATPase 2; plus strand). Cytogenetic location: 9p24.3.
Variant type: single nucleotide variant.
Coding change: c.2648C>T on transcript NM_003070.5 (MANE Select); coding-DNA position 2648, C replaced by T.
Protein change: p.Pro883Leu; replaces proline 883 with leucine.
Molecular consequence: missense variant. On other transcripts: intron variant (1).
Genome position (GRCh38, 1-based): chr9:2,086,950, C>T. VCF-style: chr9-2086950-C-T. GRCh37 (hg19) VCF-style: chr9-2086950-C-T.
Other names: c.2648C>T, p.Pro883Leu (NM_001289396.2, NM_139045.4); c.2595+53C>T (NM_001289397.2); short protein forms P883L.
Identifiers: ClinVar variation 30016 (VCV000030016.12), dbSNP rs281875188, ClinGen allele CA211275.